The following is an entry in ClinVar:

ClinVar aggregate classification (germline): Uncertain significance (1 of 4 stars; one submission).

Submission:

GeneDx
Classification: Uncertain significance. Last evaluated: 2026-04-01. Review status: criteria provided, single submitter. Criteria: GeneDx Variant Classification Process June 2021. Collection method: clinical testing. Allele origin: germline.
Comment: Not observed at significant frequency in large population cohorts (gnomAD); In silico analysis supports that this missense variant has a deleterious effect on protein structure/function; Has not been previously published as pathogenic or benign to our knowledge

NM_000548.5(TSC2):c.2525C>A (p.Pro842Gln)

Gene: TSC2 (TSC complex subunit 2; plus strand). Cytogenetic location: 16p13.3.
Variant type: single nucleotide variant.
Coding change: c.2525C>A on transcript NM_000548.5 (MANE Select); coding-DNA position 2525, C replaced by A.
Protein change: p.Pro842Gln; replaces proline 842 with glutamine.
Molecular consequence: missense variant. On other transcripts: non-coding transcript variant (5).
Genome position (GRCh38, 1-based): chr16:2,074,369, C>A. VCF-style: chr16-2074369-C-A. GRCh37 (hg19) VCF-style: chr16-2124370-C-A.
Other names: c.2414C>A, p.Pro805Gln (NM_001406678.1, NM_001406670.1, NM_001318827.2); c.2378C>A, p.Pro793Gln (NM_001406679.1, NM_001406675.1, NM_001406676.1 and 1 more transcripts); c.1925C>A, p.Pro642Gln (NM_001406680.1, NM_001406682.1, NM_001406683.1 and 6 more transcripts); c.2063C>A, p.Pro688Gln (NM_001406681.1); c.1181C>A, p.Pro394Gln (NM_001406697.1, NM_001406689.1, NM_001406690.1 and 6 more transcripts); c.923C>A, p.Pro308Gln (NM_001406698.1); c.2525C>A, p.Pro842Gln (NM_021055.3, NM_001406665.1, NM_001114382.3 and 6 more transcripts); c.2615C>A, p.Pro872Gln (NM_001406667.1, NM_001406668.1); and 3 more; short protein forms P308Q, P394Q, P642Q, P688Q, P793Q, P805Q, P823Q, P838Q.
Identifiers: ClinVar variation 5018111 (VCV005018111.1).